The following is an entry in ClinVar:

NM_205768.3(ZBTB18):c.1298C>A (p.Thr433Asn)

Gene: ZBTB18 (zinc finger and BTB domain containing 18; plus strand). Cytogenetic location: 1q44.
Variant type: single nucleotide variant.
Coding change: c.1298C>A on transcript NM_205768.3 (MANE Select); coding-DNA position 1298, C replaced by A.
Protein change: p.Thr433Asn; replaces threonine 433 with asparagine.
Molecular consequence: missense variant. On other transcripts: 3 prime UTR variant (1).
Genome position (GRCh38, 1-based): chr1:244,055,072, C>A. VCF-style: chr1-244055072-C-A. GRCh37 (hg19) VCF-style: chr1-244218374-C-A.
Other names: c.1271C>A, p.Thr424Asn (NM_001278196.2, NM_006352.5); c.*475C>A (NM_001421566.1); short protein forms T424N, T433N.
Identifiers: ClinVar variation 3026495 (VCV003026495.22), dbSNP rs2527560999, ClinGen allele CA345674808.
Genomic context (GRCh38, chr1:244,055,072, plus strand): 5'-CCGCCGATGTCAACGTGCCCACGTGCTCGCTGTGTGGGAAGACTTTCTCTTGCATGTACA[C>A]CCTCAAGCGCCACGAGAGGACTCACTCGGGGGAGAAGCCCTACACATGCACCCAGTGCGG-3'
Protein context (NP_991331.1, residues 423-443): LCGKTFSCMY[Thr433Asn]LKRHERTHSG

ClinVar aggregate classification (germline): Uncertain significance (1 of 4 stars; one submission).

Submission:

CeGaT Center for Human Genetics Tuebingen
Classification: Uncertain significance. Last evaluated: 2023-12-01. Review status: criteria provided, single submitter. Criteria: CeGaT Center For Human Genetics Tuebingen Variant Classification Criteria Version 2. Collection method: clinical testing. Allele origin: germline. Affected: yes. Observed: 1 variant allele.
Comment: ZBTB18: PM2, PS2:Moderate